The following is an entry in ClinVar:

ClinVar aggregate classification (germline): Uncertain significance. Review status: criteria provided, multiple submitters, no conflicts (2 of 4 stars). 8 submissions from 8 submitters: Uncertain significance (6). 2 of the submissions do not count toward it. Last evaluated 2025-04-02.

Conditions:
Cardiovascular phenotype. Identifiers: MedGen CN230736.
Hypertrophic cardiomyopathy. Also called: HYPERTROPHIC MYOCARDIOPATHY. Identifiers: Orphanet 217569, MedGen C0007194, MeSH D002312, MONDO:0005045, HP:0001639.
Cardiomyopathy (CMYO). Also called: Cardiomyopathies. Identifiers: Orphanet 167848, MedGen C0878544, MONDO:0004994, HP:0001638. Inheritance: Various modes of inheritance.

Allele frequency attached by ClinVar (database versions not stated): gnomAD 0.00001.
gnomAD v4.1: 5 of 1,603,436 alleles (0.00031%); highest among the groups gnomAD compares: South Asian, 0.0022%; no homozygotes.

Submissions (8):

Ambry Genetics
Classification: Uncertain significance for Cardiovascular phenotype. Last evaluated: 2025-04-02. Review status: criteria provided, single submitter. Criteria: Ambry Variant Classification Scheme 2023. Collection method: clinical testing. Allele origin: germline.
Comment: The p.R1048S variant (also known as c.3142C>A), located in coding exon 29 of the MYBPC3 gene, results from a C to A substitution at nucleotide position 3142. The arginine at codon 1048 is replaced by serine, an amino acid with dissimilar properties. This variant was detected in a cardiomyopathy/arrhythmia genetic testing cohort; however, clinical details were limited, and additional cardiac variants were detected in some cases (van Lint FHM et al. Neth Heart J, 2019 Jun;27:304-309). This amino acid position is not well conserved in available vertebrate species. In addition, this alteration is predicted to be tolerated by in silico analysis. Based on the available evidence, the clinical significance of this variant remains unclear.

Labcorp Genetics (formerly Invitae), Labcorp
Classification: Uncertain significance for Hypertrophic cardiomyopathy. Last evaluated: 2024-11-28. Review status: criteria provided, single submitter. Criteria: Invitae Variant Classification Sherloc (09022015). Collection method: clinical testing. Allele origin: germline.
Comment: This sequence change replaces arginine, which is basic and polar, with serine, which is neutral and polar, at codon 1048 of the MYBPC3 protein (p.Arg1048Ser). This variant is not present in population databases (gnomAD no frequency). This variant has not been reported in the literature in individuals affected with MYBPC3-related conditions. ClinVar contains an entry for this variant (Variation ID: 684798). An algorithm developed to predict the effect of missense changes on protein structure and function (PolyPhen-2) suggests that this variant is likely to be tolerated. Algorithms developed to predict the effect of sequence changes on RNA splicing suggest that this variant may create or strengthen a splice site. In summary, the available evidence is currently insufficient to determine the role of this variant in disease. Therefore, it has been classified as a Variant of Uncertain Significance.

Women's Health and Genetics/Laboratory Corporation of America, LabCorp
Classification: Uncertain significance. Last evaluated: 2024-09-26. Review status: criteria provided, single submitter. Criteria: LabCorp Variant Classification Summary - May 2015. Collection method: clinical testing. Allele origin: germline.
Comment: Variant summary: MYBPC3 c.3142C>A (p.Arg1048Ser) results in a non-conservative amino acid change located in the Immunoglobulin subtype 2 (IPR003598) of the encoded protein sequence. Three of four in-silico tools predict a damaging effect of the variant on protein function. The variant allele was found at a frequency of 3.1e-06 in 1603436 control chromosomes (gnomAD database v4). The available data on variant occurrences in the general population are insufficient to allow any conclusion about variant significance. To our knowledge, no occurrence of c.3142C>A in individuals affected with Dilated Cardiomyopathy and no experimental evidence demonstrating its impact on protein function have been reported. ClinVar contains an entry for this variant (Variation ID: 684798). Based on the evidence outlined above, the variant was classified as uncertain significance.

Blueprint Genetics
Classification: Uncertain significance. Last evaluated: 2024-08-22. Review status: criteria provided, single submitter. Criteria: ACMG Guidelines, 2015. Collection method: clinical testing. Allele origin: germline.

Color Diagnostics, LLC DBA Color Health
Classification: Uncertain significance for Cardiomyopathy. Last evaluated: 2020-02-20. Review status: criteria provided, single submitter. Criteria: ACMG Guidelines, 2015. Collection method: clinical testing. Allele origin: germline.
Comment: This missense variant replaces arginine with serine at codon 1048 of the MYBPC3 protein. Computational prediction suggests that this variant may not impact protein structure and function (internally defined REVEL score threshold <= 0.5, PMID: 27666373). Splice site prediction tools suggest that this variant may activate a cryptic splice donor site. However, this prediction has not been confirmed in published RNA studies. To our knowledge, functional studies have not been performed for this variant. This variant has not been reported in individuals affected with cardiovascular disorders in the literature. This variant has not been identified in the general population by the Genome Aggregation Database (gnomAD). The available evidence is insufficient to determine the role of this variant in disease conclusively. Therefore, this variant is classified as a Variant of Uncertain Significance.

Molecular Diagnostic Laboratory for Inherited Cardiovascular Disease, Montreal Heart Institute
Classification: Uncertain significance. Review status: criteria provided, single submitter. Criteria: ACMG Guidelines, 2015. Collection method: clinical testing. Allele origin: germline. Affected: yes.

Clinical Genetics, Academic Medical Center
Classification: Uncertain significance. Review status: no assertion criteria provided. Collection method: clinical testing. Allele origin: germline. Affected: yes. Study: VKGL Data-share Consensus. Not counted in ClinVar's aggregate classification.

Genome Diagnostics Laboratory, University Medical Center Utrecht
Classification: Uncertain significance. Review status: no assertion criteria provided. Collection method: clinical testing. Allele origin: germline. Affected: yes. Study: VKGL Data-share Consensus. Not counted in ClinVar's aggregate classification.

Literature cited by the submitters: PubMed 30847666 (cited by Ambry Genetics).

NM_000256.3(MYBPC3):c.3142C>A (p.Arg1048Ser)

Gene: MYBPC3 (myosin binding protein C3; minus strand). Cytogenetic location: 11p11.2.
Variant type: single nucleotide variant.
Coding change: c.3142C>A on transcript NM_000256.3 (MANE Select); coding-DNA position 3142, C replaced by A.
Protein change: p.Arg1048Ser; replaces arginine 1048 with serine.
Molecular consequence: missense variant.
Genome position (GRCh38, 1-based): chr11:47,333,605, G>T on the plus strand (C>A on the coding strand, the complement: MYBPC3 is on the minus strand). VCF-style: chr11-47333605-G-T. GRCh37 (hg19) VCF-style: chr11-47355156-G-T.
Other names: short protein forms R1048S.
Identifiers: ClinVar variation 684798 (VCV000684798.16), dbSNP rs11570113, ClinGen allele CA380314890.